The following is an entry in ClinVar:

ClinVar aggregate classification (germline): Uncertain significance. Review status: criteria provided, multiple submitters, no conflicts (2 of 4 stars). 2 submissions from 2 submitters: Uncertain significance (2). Last evaluated 2023-10-12.

Conditions:
Hereditary cancer-predisposing syndrome. Also called: Neoplastic Syndromes, Hereditary; Hereditary Cancer Syndrome; Tumor predisposition; Hereditary neoplastic syndrome. Identifiers: Orphanet 140162, MedGen C0027672, MeSH D009386, MONDO:0015356.

Submissions (2):

Ambry Genetics
Classification: Uncertain significance for Hereditary cancer-predisposing syndrome. Last evaluated: 2023-10-12. Review status: criteria provided, single submitter. Criteria: Ambry Variant Classification Scheme 2023. Collection method: clinical testing. Allele origin: germline.
Comment: The p.I329V variant (also known as c.985A>G), located in coding exon 4 of the MSH6 gene, results from an A to G substitution at nucleotide position 985. The isoleucine at codon 329 is replaced by valine, an amino acid with highly similar properties. This amino acid position is conserved. In addition, this alteration is predicted to be tolerated by in silico analysis. Since supporting evidence is limited at this time, the clinical significance of this alteration remains unclear.

Color Diagnostics, LLC DBA Color Health
Classification: Uncertain significance for Hereditary cancer-predisposing syndrome. Last evaluated: 2019-03-13. Review status: criteria provided, single submitter. Criteria: ACMG Guidelines, 2015. Collection method: clinical testing. Allele origin: germline.

NM_000179.3(MSH6):c.985A>G (p.Ile329Val)

Gene: MSH6 (mutS homolog 6; plus strand). Cytogenetic location: 2p16.3.
Variant type: single nucleotide variant.
Coding change: c.985A>G on transcript NM_000179.3 (MANE Select); coding-DNA position 985, A replaced by G.
Protein change: p.Ile329Val; replaces isoleucine 329 with valine.
Molecular consequence: missense variant.
Genome position (GRCh38, 1-based): chr2:47,798,968, A>G. VCF-style: chr2-47798968-A-G. GRCh37 (hg19) VCF-style: chr2-48026107-A-G.
Other names: c.595A>G, p.Ile199Val (NM_001281492.2); c.79A>G, p.Ile27Val (NM_001281493.2, NM_001281494.2); short protein forms I199V, I27V, I329V.
Identifiers: ClinVar variation 928121 (VCV000928121.3), dbSNP rs1669280227, ClinGen allele CA346741067.